The following is an entry in ClinVar:

ClinVar aggregate classification (germline): Uncertain significance (1 of 4 stars; one submission).

Conditions:
X-linked Alport syndrome (ATS1). Also called: NEPHROPATHY AND DEAFNESS, X-LINKED; COL4A5-Related Nephropathy. Identifiers: Orphanet 63, Orphanet 88917, MedGen C4746986, MONDO:0010520, OMIM 301050.

Submission:

3billion
Classification: Uncertain significance for X-linked Alport syndrome. Last evaluated: 2022-09-01. Review status: criteria provided, single submitter. Criteria: ACMG Guidelines, 2015. Collection method: clinical testing. Allele origin: germline. Affected: yes. Observed: 1 heterozygote.
Comment: The variant is not observed in the gnomAD v2.1.1 dataset. Missense changes are a common disease-causing mechanism. In silico tool predictions suggest damaging effect of the variant on gene or gene product (REVEL: 0.96; 3Cnet: 0.97). Therefore, this variant is classified as uncertain significance according to the recommendation of ACMG/AMP guideline.

NM_033380.3(COL4A5):c.3142G>A (p.Gly1048Arg)

Gene: COL4A5 (collagen type IV alpha 5 chain; plus strand). Cytogenetic location: Xq22.3.
Variant type: single nucleotide variant.
Coding change: c.3142G>A on transcript NM_033380.3 (MANE Select); coding-DNA position 3142, G replaced by A.
Protein change: p.Gly1048Arg; replaces glycine 1048 with arginine.
Molecular consequence: missense variant.
Genome position (GRCh38, 1-based): chrX:108,626,245, G>A. VCF-style: chrX-108626245-G-A. GRCh37 (hg19) VCF-style: chrX-107869475-G-A.
Other names: c.3142G>A, p.Gly1048Arg (NM_000495.5); short protein forms G1048R.
Identifiers: ClinVar variation 1705345 (VCV001705345.1), dbSNP rs2524423007, ClinGen allele CA413854912.